The following is an entry in ClinVar:

NC_000022.11:g.20356184C>A

Variant type: single nucleotide variant.
Genome position: GRCh38 VCF-style: chr22-20356184-C-A. GRCh37 (hg19) VCF-style: chr22-20710474-C-A.
Identifiers: ClinVar variation 4534567 (VCV004534567.6).

ClinVar aggregate classification (germline): Likely benign (1 of 4 stars; one submission).

Submission:

CeGaT Center for Human Genetics Tuebingen
Classification: Likely benign. Last evaluated: 2025-10-01. Review status: criteria provided, single submitter. Criteria: CeGaT Center For Human Genetics Tuebingen Variant Classification Criteria Version 2. Collection method: clinical testing. Allele origin: germline. Affected: yes. Observed: 1 variant allele.
Comment: FAM230A: BP4, BP7